The following is an entry in ClinVar:

NM_000135.4(FANCA):c.1894C>G (p.Pro632Ala)

Gene: FANCA (FA complementation group A; minus strand). Cytogenetic location: 16q24.3.
Variant type: single nucleotide variant.
Coding change: c.1894C>G on transcript NM_000135.4 (MANE Select); coding-DNA position 1894, C replaced by G.
Protein change: p.Pro632Ala; replaces proline 632 with alanine.
Molecular consequence: missense variant.
Genome position (GRCh38, 1-based): chr16:89,775,748, G>C on the plus strand (C>G on the coding strand, the complement: FANCA is on the minus strand). VCF-style: chr16-89775748-G-C. GRCh37 (hg19) VCF-style: chr16-89842156-G-C.
Other names: c.1894C>G, p.Pro632Ala (NM_001286167.3); short protein forms P632A.
Identifiers: ClinVar variation 3848143 (VCV003848143.1).

ClinVar aggregate classification (germline): Uncertain significance (1 of 4 stars; one submission).

Conditions:
Inborn genetic diseases. Identifiers: MedGen C0950123, MeSH D030342.

gnomAD v4.1: 2 of 1,611,508 alleles (0.00012%); highest among the groups gnomAD compares: African/African-American, 0.0027%; no homozygotes.

Submission:

Ambry Genetics
Classification: Uncertain significance for Inborn genetic diseases. Last evaluated: 2025-01-24. Review status: criteria provided, single submitter. Criteria: Ambry Variant Classification Scheme 2023. Collection method: clinical testing. Allele origin: germline.
Comment: The p.P632A variant (also known as c.1894C>G), located in coding exon 21 of the FANCA gene, results from a C to G substitution at nucleotide position 1894. The proline at codon 632 is replaced by alanine, an amino acid with highly similar properties. This amino acid position is conserved. In addition, this alteration is predicted to be tolerated by in silico analysis. Based on the available evidence, the clinical significance of this variant remains unclear.